The following is an entry in ClinVar:

NM_022114.4(PRDM16):c.1056dup (p.Gln353fs)

Gene: PRDM16 (PR/SET domain 16; plus strand). Cytogenetic location: 1p36.32.
Variant type: Duplication.
Coding change: c.1056dup on transcript NM_022114.4 (MANE Select); coding-DNA position 1056, one base duplicated (T; older notation c.1056dupT).
Protein change: p.Gln353fs; shifts the reading frame from glutamine 353.
Molecular consequence: frameshift variant.
Genome position (GRCh38, 1-based): chr1:3,405,518, T duplicated; the last of 2 consecutive T bases (chr1:3,405,517-3,405,518); duplicating either gives the same sequence. VCF-style (leftmost placement, unchanged base first): chr1-3405516-C-CT. GRCh37 (hg19) VCF-style: chr1-3322080-C-CT.
Other names: c.1056dup, p.Gln353fs (NM_199454.3); short protein forms Q353fs.
Identifiers: ClinVar variation 857345 (VCV000857345.7), dbSNP rs1643547220, ClinGen allele CA916081988.

ClinVar aggregate classification (germline): Uncertain significance (1 of 4 stars; one submission).

Conditions:
Left ventricular noncompaction 8 (LVNC8). Identifiers: Orphanet 154, Orphanet 54260, MedGen C3809288, MONDO:0014152, OMIM 615373.

Submission:

Labcorp Genetics (formerly Invitae), Labcorp
Classification: Uncertain significance for Left ventricular noncompaction 8. Last evaluated: 2019-02-14. Review status: criteria provided, single submitter. Criteria: Invitae Variant Classification Sherloc (09022015). Collection method: clinical testing. Allele origin: germline.
Comment: This sequence change creates a premature translational stop signal (p.Gln353Serfs*45) in the PRDM16 gene. It is expected to result in an absent or disrupted protein product. This variant is not present in population databases (ExAC no frequency). This variant has not been reported in the literature in individuals with PRDM16-related conditions. The current clinical and genetic evidence is not sufficient to establish whether loss-of-function variants in PRDM16 cause disease. In summary, the available evidence is currently insufficient to determine the role of this variant in disease. Therefore, it has been classified as a Variant of Uncertain Significance.